The following is an entry in ClinVar:

ClinVar aggregate classification (germline): Benign. Review status: criteria provided, multiple submitters, no conflicts (2 of 4 stars). 2 submissions from 2 submitters: Benign (2). Last evaluated 2018-06-12.

Allele frequency attached by ClinVar (database versions not stated): TOPMed 0.04438; gnomAD 0.04892 and 0.05176; 1000 Genomes Project 30x 0.05934; 1000 Genomes Project 0.06070; gnomAD exomes 0.06186.
gnomAD v4.1: 90,838 of 1,489,944 alleles (6.1%); highest among the groups gnomAD compares: South Asian, 11%; 3,118 homozygotes.

Submissions (2):

GeneDx
Classification: Benign. Last evaluated: 2018-06-12. Review status: criteria provided, single submitter. Criteria: GeneDx Variant Classification (06012015). Collection method: clinical testing. Allele origin: germline. Affected: yes.
Comment: This variant is considered likely benign or benign based on one or more of the following criteria: it is a conservative change, it occurs at a poorly conserved position in the protein, it is predicted to be benign by multiple in silico algorithms, and/or has population frequency not consistent with disease.

Breakthrough Genomics
Classification: Benign. Review status: criteria provided, single submitter. Criteria: ACMG Guidelines, 2015. Collection method: not provided. Allele origin: germline. Inheritance: Autosomal dominant inheritance. Affected: yes.

NM_004655.4(AXIN2):c.1907+116G>A

Gene: AXIN2 (axin 2; minus strand). Cytogenetic location: 17q24.1.
Variant type: single nucleotide variant.
Coding change: c.1907+116G>A on transcript NM_004655.4 (MANE Select); 116 bases into the intron after coding-DNA position 1907, G replaced by A.
Molecular consequence: intron variant.
Genome position (GRCh38, 1-based): chr17:65,536,753, C>T on the plus strand (G>A on the coding strand, the complement: AXIN2 is on the minus strand). VCF-style: chr17-65536753-C-T. GRCh37 (hg19) VCF-style: chr17-63532871-C-T.
Other names: c.1713-200G>A (NM_001363813.1).
Identifiers: ClinVar variation 676466 (VCV000676466.2), dbSNP rs112620851, ClinGen allele CA293097925.